The following is an entry in ClinVar:

ClinVar aggregate classification (germline): Uncertain significance (1 of 4 stars; one submission).

Conditions:
Cohen syndrome (COH1). Also called: PEPPER SYNDROME; Cutis verticis gyrata, retinitis pigmentosa, and sensorineural deafness. Identifiers: Orphanet 193, MedGen C0265223, MONDO:0008999, OMIM 216550.

gnomAD v4.1: 1 of 1,614,206 alleles (0.000062%); no homozygotes.

Submission:

Labcorp Genetics (formerly Invitae), Labcorp
Classification: Uncertain significance for Cohen syndrome. Last evaluated: 2021-11-05. Review status: criteria provided, single submitter. Criteria: Invitae Variant Classification Sherloc (09022015). Collection method: clinical testing. Allele origin: germline.
Comment: This sequence change replaces valine, which is neutral and non-polar, with isoleucine, which is neutral and non-polar, at codon 3868 of the VPS13B protein (p.Val3868Ile). This variant is not present in population databases (gnomAD no frequency). This variant has not been reported in the literature in individuals affected with VPS13B-related conditions. Algorithms developed to predict the effect of missense changes on protein structure and function are either unavailable or do not agree on the potential impact of this missense change (SIFT: "Not Available"; PolyPhen-2: "Benign"; Align-GVGD: "Not Available"). In summary, the available evidence is currently insufficient to determine the role of this variant in disease. Therefore, it has been classified as a Variant of Uncertain Significance.

NM_152564.5(VPS13B):c.11527G>A (p.Val3843Ile)

Gene: VPS13B (vacuolar protein sorting 13 homolog B; plus strand). Cytogenetic location: 8q22.2.
Variant type: single nucleotide variant.
Coding change: c.11527G>A on transcript NM_152564.5 (MANE Select); coding-DNA position 11527, G replaced by A.
Protein change: p.Val3843Ile; replaces valine 3843 with isoleucine.
Molecular consequence: missense variant.
Genome position (GRCh38, 1-based): chr8:99,871,479, G>A. VCF-style: chr8-99871479-G-A. GRCh37 (hg19) VCF-style: chr8-100883707-G-A.
Other names: c.11602G>A, p.Val3868Ile (NM_017890.5); short protein forms V3868I, V3843I.
Identifiers: ClinVar variation 1416712 (VCV001416712.3), dbSNP rs943648620, ClinGen allele CA182331545.